The following is an entry in ClinVar:

ClinVar aggregate classification (germline): Uncertain significance (1 of 4 stars; one submission).

Conditions:
Adenylosuccinate lyase deficiency (ADSLD). Also called: ADSL DEFICIENCY. Identifiers: Orphanet 46, MedGen C0268126, MONDO:0007068, OMIM 103050.

Allele frequency attached by ClinVar (database versions not stated): gnomAD 0.00002 and 0.00003; TOPMed 0.00002.

Submission:

Labcorp Genetics (formerly Invitae), Labcorp
Classification: Uncertain significance for Adenylosuccinate lyase deficiency. Last evaluated: 2022-08-15. Review status: criteria provided, single submitter. Criteria: Invitae Variant Classification Sherloc (09022015). Collection method: clinical testing. Allele origin: germline.
Comment: This variant occurs in a non-coding region of the ADSL gene. It does not change the encoded amino acid sequence of the ADSL protein. This variant is present in population databases (no rsID available, gnomAD 0.007%). This variant has not been reported in the literature in individuals affected with ADSL-related conditions. Experimental studies and prediction algorithms are not available or were not evaluated, and the functional significance of this variant is currently unknown. In summary, the available evidence is currently insufficient to determine the role of this variant in disease. Therefore, it has been classified as a Variant of Uncertain Significance.

NC_000022.11:g.40345716C>T

Gene: ADSL (adenylosuccinate lyase; plus strand). Cytogenetic location: 22q13.1.
Variant type: single nucleotide variant.
Genome position: GRCh38 VCF-style: chr22-40345716-C-T. GRCh37 (hg19) VCF-style: chr22-40741720-C-T.
Identifiers: ClinVar variation 1472031 (VCV001472031.4), dbSNP rs978423465, ClinGen allele CA324446378.